The following is an entry in ClinVar:

ClinVar aggregate classification (germline): Conflicting classifications of pathogenicity. Review status: criteria provided, conflicting classifications (1 of 4 stars). 5 submissions from 5 submitters: Uncertain significance (4); Likely benign (1). Last evaluated 2025-10-17.

Conditions:
LAMA2-related muscular dystrophy (LAMA2-RD). Also called: Laminin alpha 2-related dystrophy. Identifiers: MedGen C5679788, MONDO:0100228.
Congenital muscular dystrophy due to partial LAMA2 deficiency. Identifiers: MedGen C1842898.

Allele frequency attached by ClinVar (database versions not stated): ESP Exome Variant Server 0.00008; gnomAD exomes 0.00009 and 0.00012; ExAC 0.00011; TOPMed 0.00011; gnomAD 0.00015 and 0.00016.
gnomAD v4.1: 189 of 1,613,944 alleles (0.012%); highest among the groups gnomAD compares: Middle Eastern, 0.016%; no homozygotes.

Submissions (5):

Labcorp Genetics (formerly Invitae), Labcorp
Classification: Likely benign for LAMA2-related muscular dystrophy. Last evaluated: 2025-10-17. Review status: criteria provided, single submitter. Criteria: Invitae Variant Classification Sherloc (09022015). Collection method: clinical testing. Allele origin: germline.

Revvity Omics, Revvity
Classification: Uncertain significance. Last evaluated: 2025-02-19. Review status: criteria provided, single submitter. Criteria: ACMG Guidelines, 2015. Collection method: clinical testing. Allele origin: germline.

GeneDx
Classification: Uncertain significance. Last evaluated: 2024-11-12. Review status: criteria provided, single submitter. Criteria: GeneDx Variant Classification Process June 2021. Collection method: clinical testing. Allele origin: germline. Affected: yes.
Comment: In silico analysis indicates that this missense variant does not alter protein structure/function; Has not been previously published as pathogenic or benign to our knowledge

Mayo Clinic Laboratories, Mayo Clinic
Classification: Uncertain significance. Last evaluated: 2022-05-05. Review status: criteria provided, single submitter. Criteria: ACMG Guidelines, 2015. Collection method: clinical testing. Allele origin: germline. Observed: 2 variant alleles.

Illumina Laboratory Services, Illumina
Classification: Uncertain significance for Congenital muscular dystrophy due to partial LAMA2 deficiency. Last evaluated: 2018-01-15. Review status: criteria provided, single submitter. Criteria: ICSL Variant Classification Criteria 13 December 2019. Collection method: clinical testing. Allele origin: germline.

NM_000426.4(LAMA2):c.4675G>A (p.Gly1559Ser)

Gene: LAMA2 (laminin subunit alpha 2; plus strand). Cytogenetic location: 6q22.33.
Variant type: single nucleotide variant.
Coding change: c.4675G>A on transcript NM_000426.4 (MANE Select); coding-DNA position 4675, G replaced by A.
Protein change: p.Gly1559Ser; replaces glycine 1559 with serine.
Molecular consequence: missense variant.
Genome position (GRCh38, 1-based): chr6:129,353,315, G>A. VCF-style: chr6-129353315-G-A. GRCh37 (hg19) VCF-style: chr6-129674460-G-A.
Other names: c.4675G>A, p.Gly1559Ser (NM_001079823.2); short protein forms G1559S.
Identifiers: ClinVar variation 663345 (VCV000663345.23), dbSNP rs377630412, ClinGen allele CA3993627.